The following is an entry in ClinVar:

ClinVar aggregate classification (germline): Pathogenic (1 of 4 stars; one submission).

Conditions:
Hereditary cancer-predisposing syndrome. Also called: Tumor predisposition; Hereditary Cancer Syndrome; Neoplastic Syndromes, Hereditary; Hereditary neoplastic syndrome. Identifiers: Orphanet 140162, MedGen C0027672, MeSH D009386, MONDO:0015356.

Submission:

Ambry Genetics
Classification: Pathogenic for Hereditary cancer-predisposing syndrome. Last evaluated: 2021-10-12. Review status: criteria provided, single submitter. Criteria: Ambry Variant Classification Scheme 2023. Collection method: clinical testing. Allele origin: germline.
Comment: The c.2872delG pathogenic mutation, located in coding exon 17 of the PTCH1 gene, results from a deletion of one nucleotide at nucleotide position 2872, causing a translational frameshift with a predicted alternate stop codon (p.E958Kfs*4). This alteration is expected to result in loss of function by premature protein truncation or nonsense-mediated mRNA decay. As such, this alteration is interpreted as a disease-causing mutation.

NM_000264.5(PTCH1):c.2872del (p.Glu958fs)

Gene: PTCH1 (patched 1; minus strand). Cytogenetic location: 9q22.32.
Variant type: Deletion.
Coding change: c.2872del on transcript NM_000264.5 (MANE Select); coding-DNA position 2872, one base deleted (G; older notation c.2872delG).
Protein change: p.Glu958fs; shifts the reading frame from glutamic acid 958.
Molecular consequence: frameshift variant. On other transcripts: non-coding transcript variant (1).
Genome position (GRCh38, 1-based): chr9:95,459,615, C deleted on the plus strand (G on the coding strand, the reverse complement: PTCH1 is on the minus strand). VCF-style (leftmost placement, unchanged base first): chr9-95459614-TC-T. GRCh37 (hg19) VCF-style: chr9-98221896-TC-T.
Other names: c.2674del, p.Glu892fs (NM_001083602.3); c.2869del, p.Glu957fs (NM_001083603.3); c.2419del, p.Glu807fs (NM_001083604.3, NM_001083605.3, NM_001083606.3 and 1 more transcripts); c.2716del, p.Glu906fs (NM_001354918.2); short protein forms E892fs, E906fs, E807fs, E957fs, E958fs.
Identifiers: ClinVar variation 1797065 (VCV001797065.2), dbSNP rs2538077890, ClinGen allele CA2580080775.
Genomic context (GRCh38, chr9:95,459,614, plus strand): 5'-AGGCACCTCTGTAAGTTCCCAGACCTCCCGATAAAACGCTACTTACTTCTCAGCCTTGTT[TC>T]AGGCATGTAGTCGGCTTTGTCGTGGACCCATTCTGGTCGGTGTGGCCGGATGTTGGCCTG-3'